The following is an entry in ClinVar:

NM_001048174.2(MUTYH):c.152C>G (p.Ala51Gly)

Gene: MUTYH (mutY DNA glycosylase; minus strand). Cytogenetic location: 1p34.1.
Variant type: single nucleotide variant.
Coding change: c.152C>G on transcript NM_001048174.2 (MANE Select); coding-DNA position 152, C replaced by G.
Protein change: p.Ala51Gly; replaces alanine 51 with glycine.
Molecular consequence: missense variant. On other transcripts: 5 prime UTR variant (1), non-coding transcript variant (2), intron variant (3).
Genome position (GRCh38, 1-based): chr1:45,333,525, G>C on the plus strand (C>G on the coding strand, the complement: MUTYH is on the minus strand). VCF-style: chr1-45333525-G-C. GRCh37 (hg19) VCF-style: chr1-45799197-G-C.
Other names: c.152C>G, p.Ala51Gly (NM_001048171.2, NM_001048173.2, NM_001293195.2); c.155C>G, p.Ala52Gly (NM_001048172.2); c.236C>G, p.Ala79Gly (NM_001128425.2); c.197C>G, p.Ala66Gly (NM_001293190.2); c.185C>G, p.Ala62Gly (NM_001293191.2); c.-120C>G (NM_001350650.2); c.227C>G, p.Ala76Gly (NM_012222.3); c.-92-28C>G (NM_001350651.2); and 1 more; short protein forms A79G, A51G, A62G, A66G, A52G, A76G.
Identifiers: ClinVar variation 631366 (VCV000631366.13), dbSNP rs1557487125, ClinGen allele CA340136571.

ClinVar aggregate classification (germline): Conflicting classifications of pathogenicity. Review status: criteria provided, conflicting classifications (1 of 4 stars). 3 submissions from 3 submitters: Uncertain significance (2); Benign (1). Last evaluated 2025-09-09.

Conditions:
Familial adenomatous polyposis 2. Also called: COLORECTAL ADENOMATOUS POLYPOSIS, AUTOSOMAL RECESSIVE; ADENOMAS, MULTIPLE COLORECTAL, AUTOSOMAL RECESSIVE; MUTYH-associated polyposis; MUTYH-related attenuated familial adenomatous polyposis; MUTYH Polyposis; Adenomas, multiple colorectal. Identifiers: Orphanet 220460, Orphanet 247798, MedGen C3272841, MONDO:0012041, OMIM 608456.
Hereditary cancer-predisposing syndrome. Also called: Neoplastic Syndromes, Hereditary; Hereditary Cancer Syndrome; Tumor predisposition; Hereditary neoplastic syndrome. Identifiers: Orphanet 140162, MedGen C0027672, MeSH D009386, MONDO:0015356.

Submissions (3):

Ambry Genetics
Classification: Benign for Hereditary cancer-predisposing syndrome. Last evaluated: 2025-09-09. Review status: criteria provided, single submitter. Criteria: Ambry Variant Classification Scheme 2023. Collection method: clinical testing. Allele origin: germline.

Color Diagnostics, LLC DBA Color Health
Classification: Uncertain significance for Hereditary cancer-predisposing syndrome. Last evaluated: 2023-12-05. Review status: criteria provided, single submitter. Criteria: ACMG Guidelines, 2015. Collection method: clinical testing. Allele origin: germline.
Comment: This missense variant replaces alanine with glycine at codon 79 of the MUTYH protein. Computational prediction suggests that this variant may not impact protein structure and function (internally defined REVEL score threshold <= 0.5, PMID: 27666373). To our knowledge, functional studies have not been reported for this variant. This variant has not been reported in individuals affected with MUTYH-related disorders in the literature. This variant has not been identified in the general population by the Genome Aggregation Database (gnomAD). The available evidence is insufficient to determine the role of this variant in disease conclusively. Therefore, this variant is classified as a Variant of Uncertain Significance.

Labcorp Genetics (formerly Invitae), Labcorp
Classification: Uncertain significance for Familial adenomatous polyposis 2. Last evaluated: 2022-08-02. Review status: criteria provided, single submitter. Criteria: Invitae Variant Classification Sherloc (09022015). Collection method: clinical testing. Allele origin: germline.
Comment: In summary, the available evidence is currently insufficient to determine the role of this variant in disease. Therefore, it has been classified as a Variant of Uncertain Significance. Algorithms developed to predict the effect of missense changes on protein structure and function (SIFT, PolyPhen-2, Align-GVGD) all suggest that this variant is likely to be tolerated. ClinVar contains an entry for this variant (Variation ID: 631366). This variant has not been reported in the literature in individuals affected with MUTYH-related conditions. This variant is not present in population databases (gnomAD no frequency). This sequence change replaces alanine, which is neutral and non-polar, with glycine, which is neutral and non-polar, at codon 79 of the MUTYH protein (p.Ala79Gly).